The following is an entry in ClinVar:

NM_007194.4(CHEK2):c.57del (p.Gln20fs)

Gene: CHEK2 (checkpoint kinase 2; minus strand). Cytogenetic location: 22q12.1.
Variant type: Deletion.
Coding change: c.57del on transcript NM_007194.4 (MANE Select); coding-DNA position 57, one base deleted (A; older notation c.57delA).
Protein change: p.Gln20fs; shifts the reading frame from glutamine 20.
Molecular consequence: frameshift variant. On other transcripts: 5 prime UTR variant (1), intron variant (1).
Genome position (GRCh38, 1-based): chr22:28,734,665, T deleted on the plus strand (A on the coding strand, the reverse complement: CHEK2 is on the minus strand). VCF-style (leftmost placement, unchanged base first): chr22-28734664-GT-G. GRCh37 (hg19) VCF-style: chr22-29130652-GT-G.
Other names: c.57del, p.Gln20fs (NM_001005735.3, NM_001349956.3, NM_001438293.1 and 3 more transcripts); c.-721del (NM_001257387.3); c.-345+7104del (NM_001437942.1); short protein forms Q20fs.
Identifiers: ClinVar variation 4876127 (VCV004876127.1).

ClinVar aggregate classification (germline): Pathogenic (1 of 4 stars; one submission).

Conditions:
Familial cancer of breast. Also called: BREAST CANCER, FAMILIAL; Hereditary breast cancer; hereditary breast carcinoma. Identifiers: Orphanet 227535, MedGen C0346153, MONDO:0016419, OMIM 114480. Disease mechanism: loss of function.

Submission:

Myriad Genetics, Inc.
Classification: Pathogenic for Familial cancer of breast. Last evaluated: 2026-04-08. Review status: criteria provided, single submitter. Criteria: Myriad Autosomal Dominant, Autosomal Recessive and X-Linked Classification Criteria (2023). Collection method: clinical testing. Allele origin: unknown.
Comment: This variant is considered pathogenic. This variant creates a frameshift predicted to result in premature protein truncation.